The following is an entry in ClinVar:

NM_001033855.3(DCLRE1C):c.737C>T (p.Thr246Ile)

Gene: DCLRE1C (DNA cross-link repair 1C; minus strand). Cytogenetic location: 10p13.
Variant type: single nucleotide variant.
Coding change: c.737C>T on transcript NM_001033855.3 (MANE Select); coding-DNA position 737, C replaced by T.
Protein change: p.Thr246Ile; replaces threonine 246 with isoleucine.
Molecular consequence: missense variant. On other transcripts: non-coding transcript variant (4).
Genome position (GRCh38, 1-based): chr10:14,932,897, G>A on the plus strand (C>T on the coding strand, the complement: DCLRE1C is on the minus strand). VCF-style: chr10-14932897-G-A. GRCh37 (hg19) VCF-style: chr10-14974896-G-A.
Other names: c.377C>T, p.Thr126Ile (NM_001033857.3, NM_001033858.3, NM_001289077.2 and 2 more transcripts); c.392C>T, p.Thr131Ile (NM_001289076.2, NM_001289078.2, NM_001350966.2 and 1 more transcripts); c.737C>T, p.Thr246Ile (NM_001350965.2); short protein forms T246I, T126I, T131I.
Identifiers: ClinVar variation 299319 (VCV000299319.11), dbSNP rs374596045, ClinGen allele CA5416703.
Genomic context (GRCh38, chr10:14,932,897, plus strand): 5'-ATCACTTGCACACGTACCTTGGGATGCCGGCATGCATGGATCTGAGTGTTGCGGTCTGTT[G>A]TGAGATGATGAAGGATCTCAGGCATGTTCCTAAACATGTCTAGCTTATTCACATGAACCT-3'
Protein context (NP_001029027.1, residues 236-256): RNMPEILHHL[Thr246Ile]TDRNTQIHAC

ClinVar aggregate classification (germline): Uncertain significance. Review status: criteria provided, multiple submitters, no conflicts (2 of 4 stars). 4 submissions from 4 submitters: Uncertain significance (3). 1 of the submissions does not count toward it. Last evaluated 2022-10-24.

Conditions:
Histiocytic medullary reticulosis. Also called: SEVERE COMBINED IMMUNODEFICIENCY WITH HYPEREOSINOPHILIA; Omenn syndrome. Identifiers: Orphanet 39041, MedGen C2700553, MONDO:0011338, OMIM 603554.
Severe combined immunodeficiency due to DCLRE1C deficiency (RS-SCID). Also called: SCID, AUTOSOMAL RECESSIVE, T CELL-NEGATIVE, B CELL-NEGATIVE, NK CELL-POSITIVE, WITH SENSITIVITY TO IONIZING RADIATION. Identifiers: Orphanet 275, MedGen C1865371, MONDO:0011225, OMIM 602450.

Allele frequency attached by ClinVar (database versions not stated): gnomAD 0.00003 and 0.00005; ESP Exome Variant Server 0.00008; ExAC 0.00008; gnomAD exomes 0.00010; 1000 Genomes Project 0.00040; TOPMed 0.00008; 1000 Genomes Project 30x 0.00047.
gnomAD v4.1: 46 of 1,614,226 alleles (0.0028%); highest among the groups gnomAD compares: Middle Eastern, 0.082%; 1 homozygote.

Submissions (4):

Labcorp Genetics (formerly Invitae), Labcorp
Classification: Uncertain significance for Athabaskan severe combined immunodeficiency. Last evaluated: 2022-10-24. Review status: criteria provided, single submitter. Criteria: Invitae Variant Classification Sherloc (09022015). Collection method: clinical testing. Allele origin: germline.
Comment: This sequence change replaces threonine, which is neutral and polar, with isoleucine, which is neutral and non-polar, at codon 246 of the DCLRE1C protein (p.Thr246Ile). This variant is present in population databases (rs374596045, gnomAD 0.05%), including at least one homozygous and/or hemizygous individual. This variant has not been reported in the literature in individuals affected with DCLRE1C-related conditions. ClinVar contains an entry for this variant (Variation ID: 299319). Advanced modeling of protein sequence and biophysical properties (such as structural, functional, and spatial information, amino acid conservation, physicochemical variation, residue mobility, and thermodynamic stability) has been performed at Invitae for this missense variant, however the output from this modeling did not meet the statistical confidence thresholds required to predict the impact of this variant on DCLRE1C protein function. In summary, the available evidence is currently insufficient to determine the role of this variant in disease. Therefore, it has been classified as a Variant of Uncertain Significance.

Illumina Laboratory Services, Illumina
Classification: Uncertain significance for Histiocytic medullary reticulosis. Last evaluated: 2018-01-13. Review status: criteria provided, single submitter. Criteria: ICSL Variant Classification Criteria 13 December 2019. Collection method: clinical testing. Allele origin: germline.

GeneDx
Classification: Uncertain significance. Last evaluated: 2016-01-07. Review status: criteria provided, single submitter. Criteria: GeneDx Variant Classification (06012015). Collection method: clinical testing. Allele origin: germline. Affected: yes.
Comment: The T246I variant has not been published as a pathogenic variant, nor has it been reported as a benign variant to our knowledge. The variant was not observed at any significant frequency in approximately 6,500 individuals of European and African American ancestry in an external variant database, indicating it is not a common benign variant in these populations. T246I is a non-conservative amino acid substitution, which is likely to impact secondary protein structure as these residues differ in polarity, charge, size and/or other properties. This substitution occurs at a position that is conserved across species, and in silico analysis predicts this variant is probably damaging to the protein structure/function. Therefore, based on the currently available information, it is unclear whether this variant is a pathogenic variant or a rare benign variant.

Laboratory of Research in Genomics, Genetics and Bioinformatics, Hospital Infantil de Mexico Federico Gomez
Classification: Likely pathogenic for Severe combined immunodeficiency due to DCLRE1C deficiency. Last evaluated: 2025-04-08. Review status: no assertion criteria provided. Collection method: research. Allele origin: germline. Affected: yes. Not counted in ClinVar's aggregate classification.